The following is an entry in ClinVar:

ClinVar aggregate classification (germline): Benign. Review status: criteria provided, multiple submitters, no conflicts (2 of 4 stars). 2 submissions from 2 submitters: Benign (2). Last evaluated 2018-06-16.

Allele frequency attached by ClinVar (database versions not stated): gnomAD exomes 0.05586; gnomAD 0.08641 and 0.08757; TOPMed 0.09157; 1000 Genomes Project 0.10903; 1000 Genomes Project 30x 0.11087.
gnomAD v4.1: 92,625 of 1,562,962 alleles (5.9%); highest among the groups gnomAD compares: African/African-American, 18%; 4,235 homozygotes.

Submissions (2):

GeneDx
Classification: Benign. Last evaluated: 2018-06-16. Review status: criteria provided, single submitter. Criteria: GeneDx Variant Classification (06012015). Collection method: clinical testing. Allele origin: germline. Affected: yes.
Comment: This variant is considered likely benign or benign based on one or more of the following criteria: it is a conservative change, it occurs at a poorly conserved position in the protein, it is predicted to be benign by multiple in silico algorithms, and/or has population frequency not consistent with disease.

Breakthrough Genomics
Classification: Benign. Review status: criteria provided, single submitter. Criteria: ACMG Guidelines, 2015. Collection method: not provided. Allele origin: germline. Inheritance: Autosomal recessive inheritance. Affected: yes.

NM_004820.5(CYP7B1):c.123-72A>G

Gene: CYP7B1 (cytochrome P450 family 7 subfamily B member 1; minus strand). Cytogenetic location: 8q12.3.
Variant type: single nucleotide variant.
Coding change: c.123-72A>G on transcript NM_004820.5 (MANE Select); 72 bases into the intron before coding-DNA position 123, A replaced by G.
Molecular consequence: intron variant.
Genome position (GRCh38, 1-based): chr8:64,624,611, T>C on the plus strand (A>G on the coding strand, the complement: CYP7B1 is on the minus strand). VCF-style: chr8-64624611-T-C. GRCh37 (hg19) VCF-style: chr8-65537168-T-C.
Other names: c.123-72A>G (NM_001324112.2).
Identifiers: ClinVar variation 679270 (VCV000679270.2), dbSNP rs73237769, ClinGen allele CA12880412.